The following is an entry in ClinVar:

ClinVar aggregate classification (germline): Pathogenic (1 of 4 stars; one submission).

Submission:

GeneDx
Classification: Pathogenic. Last evaluated: 2022-03-02. Review status: criteria provided, single submitter. Criteria: GeneDx Variant Classification Process June 2021. Collection method: clinical testing. Allele origin: germline. Affected: yes.
Comment: Nonsense variant predicted to result in protein truncation or nonsense mediated decay in a gene for which loss-of-function is a known mechanism of disease; Not observed at significant frequency in large population cohorts (gnomAD); This variant is associated with the following publications: (PMID: 25525159, 17021131)

NM_000264.5(PTCH1):c.833G>A (p.Trp278Ter)

Gene: PTCH1 (patched 1; minus strand). Cytogenetic location: 9q22.32.
Variant type: single nucleotide variant.
Coding change: c.833G>A on transcript NM_000264.5 (MANE Select); coding-DNA position 833, G replaced by A.
Protein change: p.Trp278Ter; replaces tryptophan 278 with a stop codon.
Molecular consequence: nonsense. On other transcripts: non-coding transcript variant (1).
Genome position (GRCh38, 1-based): chr9:95,480,502, C>T on the plus strand (G>A on the coding strand, the complement: PTCH1 is on the minus strand). VCF-style: chr9-95480502-C-T. GRCh37 (hg19) VCF-style: chr9-98242784-C-T.
Other names: c.635G>A, p.Trp212Ter (NM_001083602.3); c.830G>A, p.Trp277Ter (NM_001083603.3); c.380G>A, p.Trp127Ter (NM_001083604.3, NM_001083605.3, NM_001083606.3 and 1 more transcripts); c.833G>A, p.Trp278Ter (NM_001354918.2); short protein forms W127*, W212*, W277*, W278*.
Identifiers: ClinVar variation 1704122 (VCV001704122.2), dbSNP rs2118420890, ClinGen allele CA374114130.
Genomic context (GRCh38, chr9:95,480,502, plus strand): 5'-TTGAGGCAGGGGCGGTCCATGTAACCATGACCAACCTCAGCCTTATTCAGCATTTCCTCC[C>T]AGCTGTCCACTTGATAGTTTATTTTCTTTAACTCTTCCAGGAATTCCAAAGGGTCGAAGT-3'